The following is an entry in ClinVar:

NM_001283009.2(RTEL1):c.1796C>G (p.Ser599Cys)

Genes: RTEL1 (regulator of telomere elongation helicase 1; plus strand), RTEL1-TNFRSF6B (RTEL1-TNFRSF6B readthrough (NMD candidate); plus strand). Cytogenetic location: 20q13.33.
Variant type: single nucleotide variant.
Coding change: c.1796C>G on transcript NM_001283009.2 (MANE Select); coding-DNA position 1796, C replaced by G.
Protein change: p.Ser599Cys; replaces serine 599 with cysteine.
Molecular consequence: missense variant. On other transcripts: non-coding transcript variant (1).
Genome position (GRCh38, 1-based): chr20:63,688,601, C>G. VCF-style: chr20-63688601-C-G. GRCh37 (hg19) VCF-style: chr20-62319954-C-G.
Other names: c.1127C>G, p.Ser376Cys (NM_001283010.1); c.1796C>G, p.Ser599Cys (NM_016434.4); c.1868C>G, p.Ser623Cys (NM_032957.5); short protein forms S376C, S599C, S623C.
Identifiers: ClinVar variation 4863601 (VCV004863601.1).

ClinVar aggregate classification (germline): Uncertain significance (1 of 4 stars; one submission).

Conditions:
Inborn genetic diseases. Identifiers: MedGen C0950123, MeSH D030342.

Submission:

Ambry Genetics
Classification: Uncertain significance for Inborn genetic diseases. Last evaluated: 2026-05-24. Review status: criteria provided, single submitter. Criteria: Ambry Variant Classification Scheme 2023. Collection method: clinical testing. Allele origin: germline.
Comment: The p.S599C variant (also known as c.1796C>G), located in coding exon 20 of the RTEL1 gene, results from a C to G substitution at nucleotide position 1796. The serine at codon 599 is replaced by cysteine, an amino acid with dissimilar properties. This amino acid position is conserved. In addition, the in silico prediction for this alteration is inconclusive. Based on the available evidence, the clinical significance of this variant remains unclear.